The following is an entry in ClinVar:

ClinVar aggregate classification (germline): Conflicting classifications of pathogenicity. Review status: criteria provided, conflicting classifications (1 of 4 stars). 2 submissions from 2 submitters: Uncertain significance (1); Likely benign (1). Last evaluated 2022-08-23.

Conditions:
Hereditary cancer-predisposing syndrome. Also called: Tumor predisposition; Hereditary Cancer Syndrome; Neoplastic Syndromes, Hereditary; Hereditary neoplastic syndrome. Identifiers: Orphanet 140162, MedGen C0027672, MeSH D009386, MONDO:0015356.
Rhabdoid tumor predisposition syndrome 2 (RTPS2). Identifiers: Orphanet 231108, Orphanet 69077, MedGen C2750074, MONDO:0013224, OMIM 613325.

Submissions (2):

Labcorp Genetics (formerly Invitae), Labcorp
Classification: Uncertain significance for Rhabdoid tumor predisposition syndrome 2. Last evaluated: 2022-08-23. Review status: criteria provided, single submitter. Criteria: Invitae Variant Classification Sherloc (09022015). Collection method: clinical testing. Allele origin: germline.
Comment: In summary, the available evidence is currently insufficient to determine the role of this variant in disease. Therefore, it has been classified as a Variant of Uncertain Significance. Algorithms developed to predict the effect of sequence changes on RNA splicing suggest that this variant may create or strengthen a splice site. This variant has not been reported in the literature in individuals affected with SMARCA4-related conditions. This variant is not present in population databases (gnomAD no frequency). This sequence change affects codon 896 of the SMARCA4 mRNA. It is a 'silent' change, meaning that it does not change the encoded amino acid sequence of the SMARCA4 protein.

Ambry Genetics
Classification: Likely benign for Hereditary cancer-predisposing syndrome. Last evaluated: 2015-07-13. Review status: criteria provided, single submitter. Criteria: Ambry Variant Classification Scheme 2023. Collection method: clinical testing. Allele origin: germline.

NM_003072.5(SMARCA4):c.2688G>A (p.Val896=)

Gene: SMARCA4 (SWI/SNF related BAF chromatin remodeling complex subunit ATPase 4; plus strand). Cytogenetic location: 19p13.2.
Variant type: single nucleotide variant.
Coding change: c.2688G>A on transcript NM_003072.5 (MANE Select); coding-DNA position 2688, G replaced by A.
Protein change: p.Val896=; no amino-acid change (valine 896 retained).
Molecular consequence: synonymous variant. On other transcripts: non-coding transcript variant (1).
Genome position (GRCh38, 1-based): chr19:11,021,796, G>A. VCF-style: chr19-11021796-G-A. GRCh37 (hg19) VCF-style: chr19-11132472-G-A.
Other names: c.2688G>A, p.Val896= (NM_001128844.3, NM_001128845.2, NM_001128846.2 and 6 more transcripts).
Identifiers: ClinVar variation 1794754 (VCV001794754.7), dbSNP rs2146417554, ClinGen allele CA505743550.